The following is an entry in ClinVar:

NM_014324.6(AMACR):c.552+3A>T

Genes: C1QTNF3-AMACR (C1QTNF3-AMACR readthrough (NMD candidate); minus strand), AMACR (alpha-methylacyl-CoA racemase; minus strand). Cytogenetic location: 5p13.2.
Variant type: single nucleotide variant.
Coding change: c.552+3A>T on transcript NM_014324.6 (MANE Select); 3 bases into the intron after coding-DNA position 552, A replaced by T.
Molecular consequence: intron variant.
Genome position (GRCh38, 1-based): chr5:34,004,571, T>A on the plus strand (A>T on the coding strand, the complement: AMACR is on the minus strand). VCF-style: chr5-34004571-T-A. GRCh37 (hg19) VCF-style: chr5-34004676-T-A.
Other names: c.391+1185A>T (NM_203382.3); c.552+3A>T (NM_001167595.2).
Identifiers: ClinVar variation 2097866 (VCV002097866.4), dbSNP rs1753913382, ClinGen allele CA1538246219.

ClinVar aggregate classification (germline): Uncertain significance (1 of 4 stars; one submission).

Conditions:
Alpha-methylacyl-CoA racemase deficiency (AMACRD). Also called: AMACR deficiency. Identifiers: Orphanet 79095, MedGen C3280428, MONDO:0013681, OMIM 614307. Disease mechanism: loss of function.

Allele frequency attached by ClinVar (database versions not stated): TOPMed below 0.00001.

Submission:

Labcorp Genetics (formerly Invitae), Labcorp
Classification: Uncertain significance for Alpha-methylacyl-CoA racemase deficiency. Last evaluated: 2022-07-19. Review status: criteria provided, single submitter. Criteria: Invitae Variant Classification Sherloc (09022015). Collection method: clinical testing. Allele origin: germline.
Comment: In summary, the available evidence is currently insufficient to determine the role of this variant in disease. Therefore, it has been classified as a Variant of Uncertain Significance. Variants that disrupt the consensus splice site are a relatively common cause of aberrant splicing (PMID: 17576681, 9536098). Algorithms developed to predict the effect of sequence changes on RNA splicing suggest that this variant may disrupt the consensus splice site. This variant has not been reported in the literature in individuals affected with AMACR-related conditions. This variant is not present in population databases (gnomAD no frequency). This sequence change falls in intron 3 of the AMACR gene. It does not directly change the encoded amino acid sequence of the AMACR protein. It affects a nucleotide within the consensus splice site.

Literature cited by the submitters: PubMed 17576681; PubMed 9536098.